The following is an entry in ClinVar:

ClinVar aggregate classification (germline): Uncertain significance (1 of 4 stars; one submission).

Submission:

Labcorp Genetics (formerly Invitae), Labcorp
Classification: Uncertain significance. Last evaluated: 2025-09-05. Review status: criteria provided, single submitter. Criteria: Invitae Variant Classification Sherloc (09022015). Collection method: clinical testing. Allele origin: germline.
Comment: This sequence change replaces threonine, which is neutral and polar, with serine, which is neutral and polar, at codon 21 of the TUBGCP6 protein (p.Thr21Ser). This variant is present in population databases (no rsID available, gnomAD 0.0009%). This variant has not been reported in the literature in individuals affected with TUBGCP6-related conditions. An algorithm developed to predict the effect of missense changes on protein structure and function (PolyPhen-2) suggests that this variant is likely to be tolerated. In summary, the available evidence is currently insufficient to determine the role of this variant in disease. Therefore, it has been classified as a Variant of Uncertain Significance.

NM_020461.4(TUBGCP6):c.61A>T (p.Thr21Ser)

Gene: TUBGCP6 (tubulin gamma complex component 6; minus strand). Cytogenetic location: 22q13.33.
Variant type: single nucleotide variant.
Coding change: c.61A>T on transcript NM_020461.4 (MANE Select); coding-DNA position 61, A replaced by T.
Protein change: p.Thr21Ser; replaces threonine 21 with serine.
Molecular consequence: missense variant.
Genome position (GRCh38, 1-based): chr22:50,244,399, T>A on the plus strand (A>T on the coding strand, the complement: TUBGCP6 is on the minus strand). VCF-style: chr22-50244399-T-A. GRCh37 (hg19) VCF-style: chr22-50682828-T-A.
Other names: short protein forms T21S.
Identifiers: ClinVar variation 4705273 (VCV004705273.1).